The following is an entry in ClinVar:

ClinVar aggregate classification (germline): Likely pathogenic (1 of 4 stars; one submission).

Conditions:
Dilated cardiomyopathy 1G (CMD1G). Identifiers: Orphanet 154, MedGen C1858763, MONDO:0011400, OMIM 604145.
Autosomal recessive limb-girdle muscular dystrophy type 2J (LGMDR10). Also called: MUSCULAR DYSTROPHY, LIMB-GIRDLE, AUTOSOMAL RECESSIVE 10; Limb-girdle muscular dystrophy, type 2J. Identifiers: Orphanet 140922, MedGen C1837342, MONDO:0012127, OMIM 608807.

Submission:

Labcorp Genetics (formerly Invitae), Labcorp
Classification: Likely pathogenic for Dilated cardiomyopathy 1G; Autosomal recessive limb-girdle muscular dystrophy type 2J. Last evaluated: 2022-03-15. Review status: criteria provided, single submitter. Criteria: Invitae Variant Classification Sherloc (09022015). Collection method: clinical testing. Allele origin: germline.
Comment: In summary, the currently available evidence indicates that the variant is pathogenic, but additional data are needed to prove that conclusively. Therefore, this variant has been classified as Likely Pathogenic. This variant has not been reported in the literature in individuals affected with TTN-related conditions. This variant is a gross deletion of the genomic region encompassing exon(s) 202-363 of the TTN gene. This deletion extends beyond the assayed region for this gene. It is expected to result in an absent or disrupted protein product. This variant disrupts the I, A and M band(s) of TTN (PMID: 25589632). Truncating variants in A band are significantly overrepresented in patients affected with dilated cardiomyopathy (PMID: 25589632). Truncating variants in this region have also been reported in individuals affected with autosomal recessive centronuclear myopathy (PMID: 23975875). Truncating variants in the M band have been previously reported in individuals affected with autosomal recessive myopathy and muscular dystrophy (PMID: 18948003, 23975875, 24395473).

Literature cited by the submitters: PubMed 25589632; PubMed 23975875; PubMed 18948003; PubMed 24395473.

NC_000002.11:g.(?_179296824)_(179518254_?)del

Genes: PLEKHA3 (pleckstrin homology domain containing A3; plus strand), PRKRA (protein activator of interferon induced protein kinase EIF2AK2; minus strand), FKBP7 (FKBP prolyl isomerase 7; minus strand), PJVK (pejvakin; plus strand), TTN (titin; minus strand). Cytogenetic location: 2q31.2.
Variant type: Deletion.
Identifiers: ClinVar variation 2424039 (VCV002424039.6).